The following is an entry in ClinVar:

ClinVar aggregate classification (germline): Benign. Review status: criteria provided, multiple submitters, no conflicts (2 of 4 stars). 2 submissions from 2 submitters: Benign (2). Last evaluated 2018-06-16.

Allele frequency attached by ClinVar (database versions not stated): gnomAD exomes 0.02370; gnomAD 0.10829 and 0.11157; TOPMed 0.12355; 1000 Genomes Project 0.16234; 1000 Genomes Project 30x 0.17349.
gnomAD v4.1: 30,643 of 733,420 alleles (4.2%); highest among the groups gnomAD compares: African/African-American, 33%; 3,736 homozygotes.

Submissions (2):

GeneDx
Classification: Benign. Last evaluated: 2018-06-16. Review status: criteria provided, single submitter. Criteria: GeneDx Variant Classification (06012015). Collection method: clinical testing. Allele origin: germline. Affected: yes.
Comment: This variant is considered likely benign or benign based on one or more of the following criteria: it is a conservative change, it occurs at a poorly conserved position in the protein, it is predicted to be benign by multiple in silico algorithms, and/or has population frequency not consistent with disease.

Breakthrough Genomics
Classification: Benign. Review status: criteria provided, single submitter. Criteria: ACMG Guidelines, 2015. Collection method: not provided. Allele origin: germline. Inheritance: Autosomal recessive inheritance. Affected: yes.

NM_015971.4(MRPS7):c.339+153T>C

Gene: MRPS7 (mitochondrial ribosomal protein S7; plus strand). Cytogenetic location: 17q25.1.
Variant type: single nucleotide variant.
Coding change: c.339+153T>C on transcript NM_015971.4 (MANE Select); 153 bases into the intron after coding-DNA position 339, T replaced by C.
Molecular consequence: intron variant.
Genome position (GRCh38, 1-based): chr17:75,263,020, T>C. VCF-style: chr17-75263020-T-C. GRCh37 (hg19) VCF-style: chr17-73259101-T-C.
Identifiers: ClinVar variation 671368 (VCV000671368.2), dbSNP rs16967754, ClinGen allele CA16545947.